The following is an entry in ClinVar:

NM_000321.3(RB1):c.34_36dup (p.Thr12_Ala13insThr)

Gene: RB1 (RB transcriptional corepressor 1; plus strand). Cytogenetic location: 13q14.2.
Variant type: Duplication.
Coding change: c.34_36dup on transcript NM_000321.3 (MANE Select); coding-DNA positions 34 to 36, 3 bases duplicated (ACC; older notation c.34_36dupACC).
Protein change: p.Thr12_Ala13insThr.
Molecular consequence: inframe insertion. On other transcripts: inframe indel (4).
Genome position (GRCh38, 1-based): chr13:48,303,946-48,303,948, ACC duplicated; duplicating any 3 consecutive bases within chr13:48,303,944-48,303,948 gives the same sequence; the c. name uses the placement nearest the transcript's 3' end. VCF-style (leftmost placement, unchanged base first): chr13-48303943-G-GCCA. GRCh37 (hg19) VCF-style: chr13-48878079-G-GCCA.
Other names: c.34_36dup, p.Thr12_Ala13insThr (NM_001407165.1, NM_001407166.1, NM_001407167.1); c.34_36dupACC (NM_000321.2).
Identifiers: ClinVar variation 1731062 (VCV001731062.10), dbSNP rs1471810016, ClinGen allele CA609859309.

ClinVar aggregate classification (germline): Uncertain significance. Review status: criteria provided, multiple submitters, no conflicts (2 of 4 stars). 3 submissions from 3 submitters: Uncertain significance (3). Last evaluated 2025-02-13.

Conditions:
Hereditary cancer-predisposing syndrome. Also called: Neoplastic Syndromes, Hereditary; Tumor predisposition; Hereditary Cancer Syndrome; Hereditary neoplastic syndrome. Identifiers: Orphanet 140162, MedGen C0027672, MeSH D009386, MONDO:0015356.
Retinoblastoma (RB1). Also called: RETINOBLASTOMA, SOMATIC. Identifiers: Orphanet 790, MedGen C0035335, MeSH D012175, MONDO:0008380, OMIM 180200, HP:0009919. Disease mechanism: loss of function. Inheritance: Both sporadic and heritable forms are tested..

Submissions (3):

Labcorp Genetics (formerly Invitae), Labcorp
Classification: Uncertain significance for Retinoblastoma. Last evaluated: 2025-02-13. Review status: criteria provided, single submitter. Criteria: Invitae Variant Classification Sherloc (09022015). Collection method: clinical testing. Allele origin: germline.
Comment: This variant, c.34_36dup, results in the insertion of 1 amino acid(s) of the RB1 protein (p.Thr12dup), but otherwise preserves the integrity of the reading frame. The frequency data for this variant in the population databases is considered unreliable, as metrics indicate poor data quality at this position in the gnomAD database. This variant has not been reported in the literature in individuals affected with RB1-related conditions. ClinVar contains an entry for this variant (Variation ID: 1731062). In summary, the available evidence is currently insufficient to determine the role of this variant in disease. Therefore, it has been classified as a Variant of Uncertain Significance.

Ambry Genetics
Classification: Uncertain significance for Hereditary cancer-predisposing syndrome. Last evaluated: 2024-06-20. Review status: criteria provided, single submitter. Criteria: Ambry Variant Classification Scheme 2023. Collection method: clinical testing. Allele origin: germline.
Comment: The c.34_36dupACC variant (also known as p.T12dup), located in coding exon 1 of the RB1 gene, results from an in-frame duplication of ACC at nucleotide positions 34 to 36. This results in the duplication of an extra threonine residue between codons 12 and 13. This amino acid position is poorly conserved in available vertebrate species. In addition, this alteration is predicted to be neutral by in silico analysis (Choi Y et al. PLoS ONE. 2012; 7(10):e46688). Since supporting evidence is limited at this time, the clinical significance of this alteration remains unclear.

All of Us Research Program, National Institutes of Health
Classification: Uncertain significance for Retinoblastoma. Last evaluated: 2023-12-01. Review status: criteria provided, single submitter. Criteria: ACMG Guidelines, 2015. Collection method: clinical testing. Allele origin: germline. Inheritance: Autosomal dominant inheritance. Observed: 3 variant alleles, 3 heterozygotes.
Comment: This variant causes a duplication of threonine at amino acid 12 of the RB1 protein. To our knowledge, functional studies have not been reported for this variant. This variant has not been reported in individuals affected with RB1-related disorders in the literature. This variant has been identified in 2/135924 chromosomes in the general population by the Genome Aggregation Database (gnomAD). The available evidence is insufficient to determine the role of this variant in disease conclusively. Therefore, this variant is classified as a Variant of Uncertain Significance.

This study involves interpretation of variants in research participants for the purpose of population health screening. Participant phenotype was not available at the time of variant classification. Additional details can be found in publication PMID: 35346344, PMCID: PMC8962531